The following is an entry in ClinVar:

NM_006267.5(RANBP2):c.5584G>T (p.Gly1862Trp)

Gene: RANBP2 (RAN binding protein 2; plus strand). Cytogenetic location: 2q13.
Variant type: single nucleotide variant.
Coding change: c.5584G>T on transcript NM_006267.5 (MANE Select); coding-DNA position 5584, G replaced by T.
Protein change: p.Gly1862Trp; replaces glycine 1862 with tryptophan.
Molecular consequence: missense variant.
Genome position (GRCh38, 1-based): chr2:108,766,123, G>T. VCF-style: chr2-108766123-G-T. GRCh37 (hg19) VCF-style: chr2-109382579-G-T.
Other names: short protein forms G1862W.
Identifiers: ClinVar variation 1044432 (VCV001044432.9), dbSNP rs1677100900, ClinGen allele CA348073390.

ClinVar aggregate classification (germline): Uncertain significance (1 of 4 stars; one submission).

Conditions:
Familial acute necrotizing encephalopathy (IIAE3). Also called: ENCEPHALOPATHY, ACUTE, INFECTION-INDUCED, SUSCEPTIBILITY TO, 3; Susceptibility to Acute Necrotizing Encephalopathy 1. Identifiers: Orphanet 88619, MedGen C2675556, MONDO:0011953, OMIM 608033.

Submission:

Labcorp Genetics (formerly Invitae), Labcorp
Classification: Uncertain significance for Familial acute necrotizing encephalopathy. Last evaluated: 2020-01-10. Review status: criteria provided, single submitter. Criteria: Invitae Variant Classification Sherloc (09022015). Collection method: clinical testing. Allele origin: germline.
Comment: In summary, the available evidence is currently insufficient to determine the role of this variant in disease. Therefore, it has been classified as a Variant of Uncertain Significance. Algorithms developed to predict the effect of missense changes on protein structure and function (SIFT, PolyPhen-2, Align-GVGD) all suggest that this variant is likely to be disruptive, but these predictions have not been confirmed by published functional studies and their clinical significance is uncertain. This variant has not been reported in the literature in individuals with RANBP2-related conditions. This variant is not present in population databases (ExAC no frequency). This sequence change replaces glycine with tryptophan at codon 1862 of the RANBP2 protein (p.Gly1862Trp). The glycine residue is highly conserved and there is a large physicochemical difference between glycine and tryptophan.